The following is an entry in ClinVar:

ClinVar aggregate classification (germline): Uncertain significance (1 of 4 stars; one submission).

Conditions:
Charcot-Marie-Tooth disease type 2. Also called: Charcot-Marie-Tooth type 2. Identifiers: Orphanet 64746, MedGen C0270914, MONDO:0018993.

Allele frequency attached by ClinVar (database versions not stated): ExAC 0.00002; TOPMed 0.00001.
gnomAD v4.1: 39 of 1,612,776 alleles (0.0024%); highest among the groups gnomAD compares: Non-Finnish European, 0.0032%; no homozygotes.

Submission:

Labcorp Genetics (formerly Invitae), Labcorp
Classification: Uncertain significance for Charcot-Marie-Tooth disease type 2. Last evaluated: 2022-08-16. Review status: criteria provided, single submitter. Criteria: Invitae Variant Classification Sherloc (09022015). Collection method: clinical testing. Allele origin: germline.
Comment: This sequence change replaces proline, which is neutral and non-polar, with alanine, which is neutral and non-polar, at codon 201 of the MED25 protein (p.Pro201Ala). In summary, the available evidence is currently insufficient to determine the role of this variant in disease. Therefore, it has been classified as a Variant of Uncertain Significance. Algorithms developed to predict the effect of missense changes on protein structure and function (SIFT, PolyPhen-2, Align-GVGD) all suggest that this variant is likely to be tolerated. ClinVar contains an entry for this variant (Variation ID: 650610). This variant has not been reported in the literature in individuals affected with MED25-related conditions. This variant is present in population databases (rs149611039, gnomAD 0.003%).

NM_030973.4(MED25):c.601C>G (p.Pro201Ala)

Gene: MED25 (mediator complex subunit 25; plus strand). Cytogenetic location: 19q13.33.
Variant type: single nucleotide variant.
Coding change: c.601C>G on transcript NM_030973.4 (MANE Select); coding-DNA position 601, C replaced by G.
Protein change: p.Pro201Ala; replaces proline 201 with alanine.
Molecular consequence: missense variant.
Genome position (GRCh38, 1-based): chr19:49,829,861, C>G. VCF-style: chr19-49829861-C-G. GRCh37 (hg19) VCF-style: chr19-50333118-C-G.
Other names: c.601C>G, p.Pro201Ala (NM_001378355.1); short protein forms P201A.
Identifiers: ClinVar variation 650610 (VCV000650610.7), dbSNP rs149611039, ClinGen allele CA9584927.
Genomic context (GRCh38, chr19:49,829,861, plus strand): 5'-TCCATTGTGTCTCCCCGGAAGCTGCCTGCGCTTCGGCTTCTGTTTGAGAAGGCAGCCCCC[C>G]CGGCCTTGCTGGAGCCGCTGCAGCCTCCGACAGATGTGAGCCAGGACCCGAGGCACATGG-3'
Protein context (NP_112235.2, residues 191-211): LRLLFEKAAP[Pro201Ala]ALLEPLQPPT